The following is an entry in ClinVar:

ClinVar aggregate classification (germline): Uncertain significance (1 of 4 stars; one submission).

Submission:

GeneDx
Classification: Uncertain significance. Last evaluated: 2015-03-20. Review status: criteria provided, single submitter. Criteria: GeneDx Variant Classification (06012015). Collection method: clinical testing. Allele origin: germline. Affected: yes.
Comment: p.Met2172Lys (ATG>AAG): c.6515 T>A in exon 42 of the RYR2 gene (NM_001035.2). Approximately 50% of patients with autosomal dominant CPVT have been reported to have a mutation in the RYR2 gene, while mutations in the RYR2 gene associated with ARVC are rare (McNally E et al., 2009; Napolitano C et al., 2012). It has not been published as a mutation, nor has it been reported as a benign polymorphism to our knowledge. The M2172K variant was not observed in approximately 6,300 individuals of European and African American ancestry in the NHLBI Exome Sequencing Project, indicating it is not a common benign variant in these populations. The M2172K variant is a non-conservative amino acid substitution, which is likely to impact secondary protein structure as these residues differ in polarity, charge, size and/or other properties. Additionally, this substitution occurs at a position that is conserved across species and in silico analysis predicts this variant is probably damaging to the protein structure/function. Furthermore, a missense mutation in nearby residue (V2178I) has been reported in association with CPVT, supporting the functional importance of this region of the protein. Therefore, based on the currently available information, it is unclear whether this variant is a pathogenic mutation or a rare benign variant. The variant is found in ARRHYTHMIA panel(s).

NM_001035.3(RYR2):c.6515T>A (p.Met2172Lys)

Gene: RYR2 (ryanodine receptor 2; plus strand). Cytogenetic location: 1q43.
Variant type: single nucleotide variant.
Coding change: c.6515T>A on transcript NM_001035.3 (MANE Select); coding-DNA position 6515, T replaced by A.
Protein change: p.Met2172Lys; replaces methionine 2172 with lysine.
Molecular consequence: missense variant.
Genome position (GRCh38, 1-based): chr1:237,631,501, T>A. VCF-style: chr1-237631501-T-A. GRCh37 (hg19) VCF-style: chr1-237794801-T-A.
Other names: p.M2172K:ATG>AAG; c.6515T>A, p.Met2172Lys (LRG_402t1); short protein forms M2172K.
Identifiers: ClinVar variation 201264 (VCV000201264.2), dbSNP rs794728742, ClinGen allele CA010188.